The following is an entry in ClinVar:

NM_001039672.3(YIF1B):c.543C>T (p.Phe181=)

Gene: YIF1B (Yip1 interacting factor homolog B, membrane trafficking protein; minus strand). Cytogenetic location: 19q13.2.
Variant type: single nucleotide variant.
Coding change: c.543C>T on transcript NM_001039672.3 (MANE Select); coding-DNA position 543, C replaced by T.
Protein change: p.Phe181=; no amino-acid change (phenylalanine 181 retained).
Molecular consequence: synonymous variant.
Genome position (GRCh38, 1-based): chr19:38,307,749, G>A on the plus strand (C>T on the coding strand, the complement: YIF1B is on the minus strand). VCF-style: chr19-38307749-G-A. GRCh37 (hg19) VCF-style: chr19-38798389-G-A.
Other names: c.498C>T, p.Phe166= (NM_001039671.3); c.534C>T, p.Phe178= (NM_001039673.3, NM_001145463.2); c.492C>T, p.Phe164= (NM_001145461.2); c.450C>T, p.Phe150= (NM_001145462.2).
Identifiers: ClinVar variation 1879437 (VCV001879437.29), dbSNP rs143345887, ClinGen allele CA9411951.

ClinVar aggregate classification (germline): Likely benign (1 of 4 stars; one submission).

Allele frequency attached by ClinVar (database versions not stated): 1000 Genomes Project 30x 0.00016; 1000 Genomes Project 0.00020; gnomAD 0.00052; gnomAD exomes 0.00066; TOPMed 0.00068; ESP Exome Variant Server 0.00069; ExAC 0.00075.
gnomAD v4.1: 1,040 of 1,611,944 alleles (0.065%); highest among the groups gnomAD compares: Non-Finnish European, 0.08%; no homozygotes.

Submission:

CeGaT Center for Human Genetics Tuebingen
Classification: Likely benign. Last evaluated: 2025-05-01. Review status: criteria provided, single submitter. Criteria: CeGaT Center For Human Genetics Tuebingen Variant Classification Criteria Version 2. Collection method: clinical testing. Allele origin: germline. Affected: yes. Observed: 3 variant alleles.
Comment: YIF1B: BP4, BP7